The following is an entry in ClinVar:

ClinVar aggregate classification (germline): Conflicting classifications of pathogenicity. Review status: criteria provided, conflicting classifications (1 of 4 stars). 3 submissions from 3 submitters: Uncertain significance (2); Likely benign (1). Last evaluated 2026-08-13.

Conditions:
Hereditary nonpolyposis colorectal neoplasms. Identifiers: MedGen C0009405, MeSH D003123.
Hereditary cancer-predisposing syndrome. Also called: Tumor predisposition; Hereditary neoplastic syndrome; Neoplastic Syndromes, Hereditary; Hereditary Cancer Syndrome. Identifiers: Orphanet 140162, MedGen C0027672, MeSH D009386, MONDO:0015356.

Allele frequency attached by ClinVar (database versions not stated): gnomAD exomes below 0.00001.
gnomAD v4.1: 1 of 1,614,146 alleles (0.000062%); highest among the groups gnomAD compares: Non-Finnish European, 0.000085%; no homozygotes.

Submissions (3):

Ambry Genetics
Classification: Likely benign for Hereditary cancer-predisposing syndrome. Last evaluated: 2026-08-13. Review status: criteria provided, single submitter. Criteria: Ambry Variant Classification Scheme 2023. Collection method: clinical testing. Allele origin: germline.

Women's Health and Genetics/Laboratory Corporation of America, LabCorp
Classification: Uncertain significance. Last evaluated: 2024-03-12. Review status: criteria provided, single submitter. Criteria: LabCorp Variant Classification Summary - May 2015. Collection method: clinical testing. Allele origin: germline.
Comment: Variant summary: PMS2 c.1406G>A (p.Arg469Lys) results in a conservative amino acid change in the encoded protein sequence. Five of five in-silico tools predict a benign effect of the variant on protein function. The variant was absent in 251474 control chromosomes. The available data on variant occurrences in the general population are insufficient to allow any conclusion about variant significance. To our knowledge, no occurrence of c.1406G>A in individuals affected with Lynch Syndrome and no experimental evidence demonstrating its impact on protein function have been reported. ClinVar contains an entry for this variant (Variation ID: 834910). Based on the evidence outlined above, the variant was classified as uncertain significance.

Labcorp Genetics (formerly Invitae), Labcorp
Classification: Uncertain significance for Hereditary nonpolyposis colorectal neoplasms. Last evaluated: 2023-05-19. Review status: criteria provided, single submitter. Criteria: Invitae Variant Classification Sherloc (09022015). Collection method: clinical testing. Allele origin: germline.
Comment: In summary, the available evidence is currently insufficient to determine the role of this variant in disease. Therefore, it has been classified as a Variant of Uncertain Significance. Advanced modeling of protein sequence and biophysical properties (such as structural, functional, and spatial information, amino acid conservation, physicochemical variation, residue mobility, and thermodynamic stability) performed at Invitae indicates that this missense variant is not expected to disrupt PMS2 protein function. ClinVar contains an entry for this variant (Variation ID: 834910). This variant has not been reported in the literature in individuals affected with PMS2-related conditions. This variant is not present in population databases (gnomAD no frequency). This sequence change replaces arginine, which is basic and polar, with lysine, which is basic and polar, at codon 469 of the PMS2 protein (p.Arg469Lys).

NM_000535.7(PMS2):c.1406G>A (p.Arg469Lys)

Gene: PMS2 (PMS1 homolog 2, mismatch repair system component; minus strand). Cytogenetic location: 7p22.1.
Variant type: single nucleotide variant.
Coding change: c.1406G>A on transcript NM_000535.7 (MANE Select); coding-DNA position 1406, G replaced by A.
Protein change: p.Arg469Lys; replaces arginine 469 with lysine.
Molecular consequence: missense variant. On other transcripts: non-coding transcript variant (1).
Genome position (GRCh38, 1-based): chr7:5,987,359, C>T on the plus strand (G>A on the coding strand, the complement: PMS2 is on the minus strand). VCF-style: chr7-5987359-C-T. GRCh37 (hg19) VCF-style: chr7-6026990-C-T.
Other names: c.1001G>A, p.Arg334Lys (NM_001322003.2, NM_001322004.2, NM_001322005.2 and 1 more transcripts); c.1250G>A, p.Arg417Lys (NM_001322006.2); c.1088G>A, p.Arg363Lys (NM_001322007.2, NM_001322008.2); c.845G>A, p.Arg282Lys (NM_001322010.2); c.473G>A, p.Arg158Lys (NM_001322011.2, NM_001322012.2); c.833G>A, p.Arg278Lys (NM_001322013.2); c.1406G>A, p.Arg469Lys (NM_001322014.2); c.1097G>A, p.Arg366Lys (NM_001322015.2); short protein forms R278K, R334K, R363K, R469K, R366K, R282K, R417K, R158K.
Identifiers: ClinVar variation 834910 (VCV000834910.15), dbSNP rs1783102663, ClinGen allele CA366742100.
Genomic context (GRCh38, chr7:5,987,359, plus strand): 5'-TCCGCTCTGTCCGTAGGGTCACTGGGTCCGTGACTGGAACTCACTGCCTCTTTCTGAGGT[C>T]TCAGGACGCCTTTGTCAGAGATGGCACCTGAAGTGCTAGAAGACAGCATACCCCTTTTCT-3'
Protein context (NP_000526.2, residues 459-479): SGAISDKGVL[Arg469Lys]PQKEAVSSSH